The following is an entry in ClinVar:

ClinVar aggregate classification (germline): Uncertain significance (1 of 4 stars; one submission).

Conditions:
Exostoses, multiple, type 2 (EXT2). Also called: EXOSTOSES, MULTIPLE, TYPE II; Hereditary Multiple Osteochondromatosis, Type II. Identifiers: Orphanet 321, MedGen C1851413, MONDO:0007586, OMIM 133701.

Submission:

Labcorp Genetics (formerly Invitae), Labcorp
Classification: Uncertain significance for Exostoses, multiple, type 2. Last evaluated: 2024-01-29. Review status: criteria provided, single submitter. Criteria: Invitae Variant Classification Sherloc (09022015). Collection method: clinical testing. Allele origin: germline.
Comment: This sequence change replaces threonine, which is neutral and polar, with asparagine, which is neutral and polar, at codon 457 of the EXT2 protein (p.Thr457Asn). This variant is not present in population databases (gnomAD no frequency). This variant has not been reported in the literature in individuals affected with EXT2-related conditions. Advanced modeling of protein sequence and biophysical properties (such as structural, functional, and spatial information, amino acid conservation, physicochemical variation, residue mobility, and thermodynamic stability) performed at Invitae indicates that this missense variant is expected to disrupt EXT2 protein function with a positive predictive value of 80%. In summary, the available evidence is currently insufficient to determine the role of this variant in disease. Therefore, it has been classified as a Variant of Uncertain Significance.

NM_207122.2(EXT2):c.1370C>A (p.Thr457Asn)

Genes: EXT2 (exostosin glycosyltransferase 2; plus strand), LOC126861201 (MED14-independent group 3 enhancer GRCh37_chr11:44218806-44220005; plus strand). Cytogenetic location: 11p11.2.
Variant type: single nucleotide variant.
Coding change: c.1370C>A on transcript NM_207122.2 (MANE Select); coding-DNA position 1370, C replaced by A.
Protein change: p.Thr457Asn; replaces threonine 457 with asparagine.
Molecular consequence: missense variant.
Genome position (GRCh38, 1-based): chr11:44,197,893, C>A. VCF-style: chr11-44197893-C-A. GRCh37 (hg19) VCF-style: chr11-44219443-C-A.
Other names: c.1370C>A, p.Thr457Asn (NM_001389628.1, NM_001389630.1); c.1469C>A, p.Thr490Asn (NM_000401.3); c.1400C>A, p.Thr467Asn (NM_001178083.3); short protein forms T467N, T457N, T490N.
Identifiers: ClinVar variation 2969320 (VCV002969320.3), dbSNP rs1218000813, ClinGen allele CA380179055.
Genomic context (GRCh38, chr11:44,197,893, plus strand): 5'-GGGGCAGCGTGAGCAATCCACTCTTCCTCCCGCTGATCCCACCACAGTCTCAAGGGTTCA[C>A]CGCCATAGTCCTCACCTACGACCGAGTAGAGAGCCTCTTCCGGGTCATCACTGAAGTGTC-3'
Protein context (NP_997005.1, residues 447-467): PLIPPQSQGF[Thr457Asn]AIVLTYDRVE